The following is an entry in ClinVar:

NM_001670.3(ARVCF):c.1073C>A (p.Pro358His)

Gene: ARVCF (ARVCF delta catenin family member; minus strand). Cytogenetic location: 22q11.21.
Variant type: single nucleotide variant.
Coding change: c.1073C>A on transcript NM_001670.3 (MANE Select); coding-DNA position 1073, C replaced by A.
Protein change: p.Pro358His; replaces proline 358 with histidine.
Molecular consequence: missense variant.
Genome position (GRCh38, 1-based): chr22:19,980,066, G>T on the plus strand (C>A on the coding strand, the complement: ARVCF is on the minus strand). VCF-style: chr22-19980066-G-T. GRCh37 (hg19) VCF-style: chr22-19967589-G-T.
Other names: c.884C>A, p.Pro295His (NM_001410839.1); short protein forms P295H, P358H.
Identifiers: ClinVar variation 2652877 (VCV002652877.24), dbSNP rs767898702, ClinGen allele CA410699645.
Genomic context (GRCh38, chr22:19,980,066, plus strand): 5'-GCATTGGCCTTCACGGGGTCCACGGGGTGCCGCAGCATGGCCAGCACCTCAGGCAGCTCA[G>T]GGTCCCGCCAGCGCGGCTCCTTGCGGGCGCTATCCACTGAGGGCGAGCGCCGCACCAGCC-3'
Protein context (NP_001661.1, residues 348-368): SARKEPRWRD[Pro358His]ELPEVLAMLR

ClinVar aggregate classification (germline): Uncertain significance (1 of 4 stars; one submission).

Allele frequency attached by ClinVar (database versions not stated): gnomAD exomes below 0.00001.
gnomAD v4.1: 2 of 1,582,986 alleles (0.00013%); highest among the groups gnomAD compares: Non-Finnish European, 0.00017%; no homozygotes.

Submission:

CeGaT Center for Human Genetics Tuebingen
Classification: Uncertain significance. Last evaluated: 2023-09-01. Review status: criteria provided, single submitter. Criteria: CeGaT Center For Human Genetics Tuebingen Variant Classification Criteria Version 2. Collection method: clinical testing. Allele origin: germline. Affected: yes. Observed: 1 variant allele.
Comment: ARVCF: PM2